The following is an entry in ClinVar:

NM_000157.4(GBA1):c.1473C>T (p.Pro491=)

Genes: GBA1 (glucosylceramidase beta 1; minus strand), LOC106627981 (GBA recombination region; plus strand). Cytogenetic location: 1q22.
Variant type: single nucleotide variant.
Coding change: c.1473C>T on transcript NM_000157.4 (MANE Select); coding-DNA position 1473, C replaced by T.
Protein change: p.Pro491=; no amino-acid change (proline 491 retained).
Molecular consequence: synonymous variant.
Genome position (GRCh38, 1-based): chr1:155,235,227, G>A on the plus strand (C>T on the coding strand, the complement: GBA1 is on the minus strand). VCF-style: chr1-155235227-G-A. GRCh37 (hg19) VCF-style: chr1-155205018-G-A.
Other names: c.1473C>T, p.Pro491= (NM_001005741.3, NM_001005742.3); c.1212C>T, p.Pro404= (NM_001171811.2); c.1326C>T, p.Pro442= (NM_001171812.2).
Identifiers: ClinVar variation 256872 (VCV000256872.28), dbSNP rs149257166, ClinGen allele CA1141520.
Genomic context (GRCh38, chr1:155,235,227, plus strand): 5'-ACTTCCCAGACCTCACCATTGCCCTCACCGGTTTAGCACGACCACAACAGCAGAGCCATC[G>A]GGATGCATCAGTGCCACTGCGTCCAGGTCGTTCTTCTGACTGGCAACCAGCCCCACTCTC-3'
Protein context (NP_000148.2, residues 481-501): NDLDAVALMH[Pro491=]DGSAVVVVLN

ClinVar aggregate classification (germline): Likely benign. Review status: criteria provided, multiple submitters, no conflicts (2 of 4 stars). 4 submissions from 4 submitters: Likely benign (4). Last evaluated 2024-07-04.

Conditions:
Gaucher disease-ophthalmoplegia-cardiovascular calcification syndrome. Also called: GAUCHER DISEASE, TYPE IIIC. Identifiers: Orphanet 2072, MedGen C1856476, MONDO:0009268, OMIM 231005.
Parkinson disease, late-onset (PD). Also called: PARKINSON DISEASE, LATE-ONSET, SUSCEPTIBILITY TO; Susceptibility to Parkinson's Disease; Hereditary late onset Parkinson disease. Identifiers: Orphanet 411602, MedGen C3160718, MONDO:0008199, OMIM 168600.
Gaucher disease perinatal lethal. Also called: Gaucher disease collodion type; Gaucher Disease, Perinatal-Lethal Form. Identifiers: Orphanet 85212, MedGen C1842704, MONDO:0011945, OMIM 608013.
Gaucher disease type I (GD1). Also called: Gaucher's disease, type 1; GAUCHER DISEASE, NONCEREBRAL JUVENILE; GBA DEFICIENCY; GD I; GLUCOCEREBROSIDASE DEFICIENCY; Type 1 Gaucher Disease. Identifiers: Orphanet 355, Orphanet 77259, MedGen C1961835, MONDO:0009265, OMIM 230800.
Gaucher disease type II (GD2). Also called: GAUCHER DISEASE, ACUTE NEURONOPATHIC TYPE; GD II; Type 2 Gaucher disease (Acute; Infantile); Acute neuronopathic Gaucher's disease. Identifiers: Orphanet 77260, MedGen C0268250, MONDO:0009266, OMIM 230900.
Gaucher disease type III. Also called: GAUCHER DISEASE, CHRONIC NEURONOPATHIC TYPE; GAUCHER DISEASE, JUVENILE AND ADULT, CEREBRAL; GAUCHER DISEASE, SUBACUTE NEURONOPATHIC TYPE; GD III; Type 3 Gaucher disease (Subacute; Juvenile); Subacute neuronopathic Gaucher's disease. Identifiers: Orphanet 355, Orphanet 77261, MedGen C0268251, MONDO:0009267, OMIM 231000.
Lewy body dementia (DLB). Also called: Lewy Body Disease. Identifiers: MedGen C0752347, MONDO:0007488, OMIM 127750.

Allele frequency attached by ClinVar (database versions not stated): gnomAD exomes 0.00010 and 0.00031; ExAC 0.00039; gnomAD 0.00094; TOPMed 0.00106; ESP Exome Variant Server 0.00115; 1000 Genomes Project 30x 0.00203; 1000 Genomes Project 0.00220.
gnomAD v4.1: 301 of 1,613,590 alleles (0.019%); highest among the groups gnomAD compares: African/African-American, 0.29%; 1 homozygote.

Submissions (4):

Blueprint Genetics
Classification: Likely benign. Last evaluated: 2024-07-04. Review status: criteria provided, single submitter. Criteria: ACMG Guidelines, 2015. Collection method: clinical testing. Allele origin: germline.

CeGaT Center for Human Genetics Tuebingen
Classification: Likely benign. Last evaluated: 2023-02-01. Review status: criteria provided, single submitter. Criteria: CeGaT Center For Human Genetics Tuebingen Variant Classification Criteria Version 2. Collection method: clinical testing. Allele origin: germline. Affected: yes. Observed: 1 variant allele.
Comment: GBA1: BP4, BP7

Fulgent Genetics
Classification: Likely benign for Lewy body dementia; Parkinson disease, late-onset; Gaucher disease type I; Gaucher disease type II; Gaucher disease type III; Gaucher disease-ophthalmoplegia-cardiovascular calcification syndrome; Gaucher disease perinatal lethal. Last evaluated: 2021-10-04. Review status: criteria provided, single submitter. Criteria: ACMG Guidelines, 2015. Collection method: clinical testing. Allele origin: unknown.

PreventionGenetics, part of Exact Sciences
Classification: Likely benign. Review status: criteria provided, single submitter. Criteria: ACMG Guidelines, 2015. Collection method: clinical testing. Allele origin: germline.